The following is an entry in ClinVar:

NM_005560.6(LAMA5):c.9494G>A (p.Arg3165Gln)

Gene: LAMA5 (laminin subunit alpha 5; minus strand). Cytogenetic location: 20q13.33.
Variant type: single nucleotide variant.
Coding change: c.9494G>A on transcript NM_005560.6 (MANE Select); coding-DNA position 9494, G replaced by A.
Protein change: p.Arg3165Gln; replaces arginine 3165 with glutamine.
Molecular consequence: missense variant.
Genome position (GRCh38, 1-based): chr20:62,312,183, C>T on the plus strand (G>A on the coding strand, the complement: LAMA5 is on the minus strand). VCF-style: chr20-62312183-C-T. GRCh37 (hg19) VCF-style: chr20-60887239-C-T.
Other names: p.Arg3165Gln; short protein forms R3165Q.
Identifiers: ClinVar variation 1599926 (VCV001599926.11), dbSNP rs140181393, ClinGen allele CA9940224.

ClinVar aggregate classification (germline): Benign. Review status: criteria provided, multiple submitters, no conflicts (2 of 4 stars). 3 submissions from 3 submitters: Benign (3). Last evaluated 2026-02-01.

Allele frequency attached by ClinVar (database versions not stated): 1000 Genomes Project 30x 0.00718; 1000 Genomes Project 0.00739; TOPMed 0.01304; gnomAD 0.01495 and 0.01515; gnomAD exomes 0.01613 and 0.02016; ESP Exome Variant Server 0.01627; ExAC 0.01733.
gnomAD v4.1: 31,581 of 1,610,376 alleles (2%); highest among the groups gnomAD compares: Non-Finnish European, 2.3%; 372 homozygotes.

Submissions (14):

Labcorp Genetics (formerly Invitae), Labcorp
Classification: Benign. Last evaluated: 2026-02-01. Review status: criteria provided, single submitter. Criteria: Invitae Variant Classification Sherloc (09022015). Collection method: clinical testing. Allele origin: germline.

Mayo Clinic Laboratories, Mayo Clinic
Classification: Benign. Last evaluated: 2023-12-15. Review status: criteria provided, single submitter. Criteria: ACMG Guidelines, 2015. Collection method: clinical testing. Allele origin: germline. Observed: 2 variant alleles.
Comment: BS1, BS2, BP4

Breakthrough Genomics
Classification: Benign. Review status: criteria provided, single submitter. Criteria: ACMG Guidelines, 2015. Collection method: not provided. Allele origin: germline. Inheritance: Autosomal recessive inheritance. Affected: yes.

Dr. Peter K. Rogan Lab, Western University
No classification provided (evidence only). Condition: Lung cancer. Review status: no classification provided. Collection method: in vitro. Allele origin: not applicable. Functional consequence: retained intron. Not counted in ClinVar's aggregate classification.

Dr. Peter K. Rogan Lab, Western University
No classification provided (evidence only). Condition: Colon adenocarcinoma. Review status: no classification provided. Collection method: in vitro. Allele origin: not applicable. Functional consequence: retained intron. Not counted in ClinVar's aggregate classification.

Dr. Peter K. Rogan Lab, Western University
No classification provided (evidence only). Condition: Thyroid cancer, nonmedullary, 1. Review status: no classification provided. Collection method: in vitro. Allele origin: not applicable. Functional consequence: retained intron. Not counted in ClinVar's aggregate classification.

Dr. Peter K. Rogan Lab, Western University
No classification provided (evidence only). Condition: Thyroid cancer, nonmedullary, 1. Review status: no classification provided. Collection method: in vitro. Allele origin: not applicable. Functional consequence: retained intron. Not counted in ClinVar's aggregate classification.

Dr. Peter K. Rogan Lab, Western University
No classification provided (evidence only). Condition: Hepatocellular carcinoma. Review status: no classification provided. Collection method: in vitro. Allele origin: not applicable. Functional consequence: retained intron. Not counted in ClinVar's aggregate classification.

Dr. Peter K. Rogan Lab, Western University
No classification provided (evidence only). Condition: Hepatocellular carcinoma. Review status: no classification provided. Collection method: in vitro. Allele origin: not applicable. Functional consequence: retained intron. Not counted in ClinVar's aggregate classification.

Dr. Peter K. Rogan Lab, Western University
No classification provided (evidence only). Condition: Thymoma. Review status: no classification provided. Collection method: in vitro. Allele origin: not applicable. Functional consequence: retained intron. Not counted in ClinVar's aggregate classification.

Dr. Peter K. Rogan Lab, Western University
No classification provided (evidence only). Condition: Ovarian serous cystadenocarcinoma. Review status: no classification provided. Collection method: in vitro. Allele origin: not applicable. Functional consequence: retained intron. Not counted in ClinVar's aggregate classification.

Dr. Peter K. Rogan Lab, Western University
No classification provided (evidence only). Condition: Adrenocortical carcinoma, hereditary. Review status: no classification provided. Collection method: in vitro. Allele origin: not applicable. Functional consequence: retained intron. Not counted in ClinVar's aggregate classification.

Dr. Peter K. Rogan Lab, Western University
No classification provided (evidence only). Condition: Adrenocortical carcinoma, hereditary. Review status: no classification provided. Collection method: in vitro. Allele origin: not applicable. Functional consequence: retained intron. Not counted in ClinVar's aggregate classification.

Dr. Peter K. Rogan Lab, Western University
No classification provided (evidence only). Condition: Adrenocortical carcinoma, hereditary. Review status: no classification provided. Collection method: in vitro. Allele origin: not applicable. Functional consequence: retained intron. Not counted in ClinVar's aggregate classification.